The following is an entry in ClinVar:

ClinVar aggregate classification (germline): Benign/Likely benign. Review status: criteria provided, multiple submitters, no conflicts (2 of 4 stars). 3 submissions from 3 submitters: Benign (1); Likely benign (1). 1 of the submissions does not count toward it. Last evaluated 2025-09-17.

Conditions:
RP1-related disorder. Also called: RP1-related condition.

Allele frequency attached by ClinVar (database versions not stated): ExAC 0.00017; gnomAD exomes 0.00017; gnomAD 0.00056 and 0.00058; TOPMed 0.00064; ESP Exome Variant Server 0.00100; 1000 Genomes Project 0.00120; 1000 Genomes Project 30x 0.00156.
gnomAD v4.1: 151 of 1,614,136 alleles (0.0094%); highest among the groups gnomAD compares: African/African-American, 0.19%; no homozygotes.

Submissions (3):

Labcorp Genetics (formerly Invitae), Labcorp
Classification: Likely benign. Last evaluated: 2025-09-17. Review status: criteria provided, single submitter. Criteria: Invitae Variant Classification Sherloc (09022015). Collection method: clinical testing. Allele origin: germline.

Blueprint Genetics
Classification: Benign. Last evaluated: 2022-11-18. Review status: criteria provided, single submitter. Criteria: ACMG Guidelines, 2015. Collection method: clinical testing. Allele origin: germline.

PreventionGenetics, part of Exact Sciences
Classification: Likely benign for RP1-related condition. Last evaluated: 2024-08-26. Review status: no assertion criteria provided. Collection method: clinical testing. Allele origin: germline. Not counted in ClinVar's aggregate classification.
Comment: This variant is classified as likely benign based on ACMG/AMP sequence variant interpretation guidelines (Richards et al. 2015 PMID: 25741868, with internal and published modifications).

NM_006269.2(RP1):c.3976G>C (p.Ala1326Pro)

Gene: RP1 (RP1 axonemal microtubule associated; plus strand). Cytogenetic location: 8q12.1.
Variant type: single nucleotide variant.
Coding change: c.3976G>C on transcript NM_006269.2 (MANE Select); coding-DNA position 3976, G replaced by C.
Protein change: p.Ala1326Pro; replaces alanine 1326 with proline.
Molecular consequence: missense variant. On other transcripts: intron variant (1).
Genome position (GRCh38, 1-based): chr8:54,627,858, G>C. VCF-style: chr8-54627858-G-C. GRCh37 (hg19) VCF-style: chr8-55540418-G-C.
Other names: c.787+5570G>C (NM_001375654.1); c.3976G>C (NM_006269.1); short protein forms A1326P.
Identifiers: ClinVar variation 1088753 (VCV001088753.11), dbSNP rs114797722, ClinGen allele CA4751783.